The following is an entry in ClinVar:

ClinVar aggregate classification (germline): Likely benign (0 of 4 stars; one submission).

Conditions:
CLMN-related disorder. Also called: CLMN-related condition.

Allele frequency attached by ClinVar (database versions not stated): ExAC 0.00002; gnomAD exomes 0.00002; gnomAD 0.00003; TOPMed 0.00005; ESP Exome Variant Server 0.00008.
gnomAD v4.1: 37 of 1,612,566 alleles (0.0023%); highest among the groups gnomAD compares: African/African-American, 0.011%; no homozygotes.

Submission:

PreventionGenetics, part of Exact Sciences
Classification: Likely benign for CLMN-related condition. Last evaluated: 2019-06-21. Review status: no assertion criteria provided. Collection method: clinical testing. Allele origin: germline.
Comment: This variant is classified as likely benign based on ACMG/AMP sequence variant interpretation guidelines (Richards et al. 2015 PMID: 25741868, with internal and published modifications).

NM_024734.4(CLMN):c.608+7C>T

Gene: CLMN (calmin; minus strand). Cytogenetic location: 14q32.13.
Variant type: single nucleotide variant.
Coding change: c.608+7C>T on transcript NM_024734.4 (MANE Select); 7 bases into the intron after coding-DNA position 608, C replaced by T.
Molecular consequence: intron variant.
Genome position (GRCh38, 1-based): chr14:95,213,212, G>A on the plus strand (C>T on the coding strand, the complement: CLMN is on the minus strand). VCF-style: chr14-95213212-G-A. GRCh37 (hg19) VCF-style: chr14-95679549-G-A.
Identifiers: ClinVar variation 3042564 (VCV003042564.2), dbSNP rs374580429, ClinGen allele CA7332410.